The following is an entry in ClinVar:

ClinVar aggregate classification (germline): Uncertain significance (1 of 4 stars; one submission).

Submission:

Labcorp Genetics (formerly Invitae), Labcorp
Classification: Uncertain significance. Last evaluated: 2024-11-21. Review status: criteria provided, single submitter. Criteria: Invitae Variant Classification Sherloc (09022015). Collection method: clinical testing. Allele origin: germline.
Comment: This sequence change replaces glutamic acid, which is acidic and polar, with aspartic acid, which is acidic and polar, at codon 1103 of the KMT2E protein (p.Glu1103Asp). This variant is not present in population databases (gnomAD no frequency). This variant has not been reported in the literature in individuals affected with KMT2E-related conditions. Invitae Evidence Modeling of protein sequence and biophysical properties (such as structural, functional, and spatial information, amino acid conservation, physicochemical variation, residue mobility, and thermodynamic stability) indicates that this missense variant is not expected to disrupt KMT2E protein function with a negative predictive value of 80%. In summary, the available evidence is currently insufficient to determine the role of this variant in disease. Therefore, it has been classified as a Variant of Uncertain Significance.

NM_182931.3(KMT2E):c.3309G>C (p.Glu1103Asp)

Gene: KMT2E (lysine methyltransferase 2E (inactive); plus strand). Cytogenetic location: 7q22.3.
Variant type: single nucleotide variant.
Coding change: c.3309G>C on transcript NM_182931.3 (MANE Select); coding-DNA position 3309, G replaced by C.
Protein change: p.Glu1103Asp; replaces glutamic acid 1103 with aspartic acid.
Molecular consequence: missense variant.
Genome position (GRCh38, 1-based): chr7:105,107,766, G>C. VCF-style: chr7-105107766-G-C. GRCh37 (hg19) VCF-style: chr7-104748213-G-C.
Other names: c.3309G>C, p.Glu1103Asp (NM_001410908.1, NM_018682.4); short protein forms E1103D.
Identifiers: ClinVar variation 3664968 (VCV003664968.2).